The following is an entry in ClinVar:

ClinVar aggregate classification (germline): Uncertain significance (1 of 4 stars; one submission).

Conditions:
Inborn genetic diseases. Identifiers: MedGen C0950123, MeSH D030342.

gnomAD v4.1: 1 of 1,614,250 alleles (0.000062%); highest among the groups gnomAD compares: Non-Finnish European, 0.000085%; no homozygotes.

Submission:

Ambry Genetics
Classification: Uncertain significance for Inborn genetic diseases. Last evaluated: 2024-12-22. Review status: criteria provided, single submitter. Criteria: Ambry Variant Classification Scheme 2023. Collection method: clinical testing. Allele origin: germline.
Comment: The p.V1023M variant (also known as c.3067G>A), located in coding exon 13 of the ASXL1 gene, results from a G to A substitution at nucleotide position 3067. The valine at codon 1023 is replaced by methionine, an amino acid with highly similar properties. This amino acid position is conserved. In addition, this alteration is predicted to be tolerated by in silico analysis. Based on the available evidence, the clinical significance of this variant remains unclear.

NM_015338.6(ASXL1):c.3067G>A (p.Val1023Met)

Gene: ASXL1 (ASXL transcriptional regulator 1; plus strand). Cytogenetic location: 20q11.21.
Variant type: single nucleotide variant.
Coding change: c.3067G>A on transcript NM_015338.6 (MANE Select); coding-DNA position 3067, G replaced by A.
Protein change: p.Val1023Met; replaces valine 1023 with methionine.
Molecular consequence: missense variant.
Genome position (GRCh38, 1-based): chr20:32,435,779, G>A. VCF-style: chr20-32435779-G-A. GRCh37 (hg19) VCF-style: chr20-31023582-G-A.
Other names: c.2884G>A, p.Val962Met (NM_001363734.1); short protein forms V962M, V1023M.
Identifiers: ClinVar variation 3791605 (VCV003791605.1).
Genomic context (GRCh38, chr20:32,435,779, plus strand): 5'-TCTGACTTTGAAGGTCACCTCACGGAGGACAGCAGTGAGGCTGACACTAGAGAAGCTGCA[G>A]TGACAAAGGGATCTTCGGTGGACAAGGATGAGAAACCCAATTGGAACCAATCTGCCCCAC-3'
Protein context (NP_056153.2, residues 1013-1033): SSEADTREAA[Val1023Met]TKGSSVDKDE